The following is an entry in ClinVar:

NM_000133.4(F9):c.354G>A (p.Trp118Ter)

Gene: F9 (coagulation factor IX; plus strand). Cytogenetic location: Xq27.1.
Variant type: single nucleotide variant.
Coding change: c.354G>A on transcript NM_000133.4 (MANE Select); coding-DNA position 354, G replaced by A.
Protein change: p.Trp118Ter; replaces tryptophan 118 with a stop codon.
Molecular consequence: nonsense. On other transcripts: intron variant (1).
Genome position (GRCh38, 1-based): chrX:139,541,152, G>A. VCF-style: chrX-139541152-G-A. GRCh37 (hg19) VCF-style: chrX-138623311-G-A.
Other names: c.277+3766G>A (NM_001313913.2); short protein forms W118*.
Identifiers: ClinVar variation 810873 (VCV000810873.13), dbSNP rs1234002716, ClinGen allele CA414437715.

ClinVar aggregate classification (germline): Pathogenic. Review status: criteria provided, multiple submitters, no conflicts (2 of 4 stars). 2 submissions from 2 submitters: Pathogenic (2). Last evaluated 2021-08-11.

Conditions:
Hereditary factor IX deficiency disease (HEMB). Also called: Hemophilia B; Christmas Disease; F9 DEFICIENCY; FACTOR IX DEFICIENCY; PLASMA THROMBOPLASTIN COMPONENT DEFICIENCY. Identifiers: Orphanet 98879, MedGen C0008533, MeSH D002836, MONDO:0010604, OMIM 306900.
Thrombophilia, X-linked, due to factor 9 defect. Identifiers: MedGen C2749016, MONDO:0010432, OMIM 300807.

Allele frequency attached by ClinVar (database versions not stated): TOPMed below 0.00001; gnomAD 0.00001.
gnomAD v4.1: 1 of 1,195,795 alleles (0.000084%); highest among the groups gnomAD compares: Non-Finnish European, 0.00011%; no homozygotes.

Submissions (2):

Labcorp Genetics (formerly Invitae), Labcorp
Classification: Pathogenic for Thrombophilia, X-linked, due to factor 9 defect; Hereditary factor IX deficiency disease. Last evaluated: 2021-08-11. Review status: criteria provided, single submitter. Criteria: Invitae Variant Classification Sherloc (09022015). Collection method: clinical testing. Allele origin: germline.
Comment: This premature translational stop signal has been observed in individual(s) with clinical features of hemophilia B (PMID: 7937052, 11013449). For these reasons, this variant has been classified as Pathogenic. ClinVar contains an entry for this variant (Variation ID: 810873). This variant is not present in population databases (ExAC no frequency). This sequence change creates a premature translational stop signal (p.Trp118*) in the F9 gene. It is expected to result in an absent or disrupted protein product. Loss-of-function variants in F9 are known to be pathogenic (PMID: 20301668).

ARUP Laboratories, Molecular Genetics and Genomics, ARUP Laboratories
Classification: Pathogenic. Last evaluated: 2019-06-04. Review status: criteria provided, single submitter. Criteria: ARUP Molecular Germline Variant Investigation Process. Collection method: clinical testing. Allele origin: germline.
Comment: The F9 c.354G>A; p.Trp118Ter variant (rs1234002716), also reported as Trp72Ter, has been described in at least one individual affected with hemophilia B (Giannelli 1994). It is absent from general population databases (Exome Variant Server and Genome Aggregation Database), indicating it is not a common polymorphism. This variant induces an early termination codon and is predicted to result in a truncated protein or mRNA subject to nonsense-mediated decay. Additionally, another variant at codon 118 that results in an early termination codon (c.353G>A; p.Trp118Ter) has been described in several individuals affected with hemophilia B (see link to F9 database and references therein). Based on available information, the c.354G>A variant is considered pathogenic. REFERENCES Link to F9 database: Giannelli F et al. Haemophilia B: database of point mutations and short additions and deletions, fifth edition, 1994. Nucleic Acids Res. 1994 Sep;22(17):3534-46.

Literature cited by the submitters: PubMed 7937052 (cited by Labcorp Genetics (formerly Invitae), Labcorp); PubMed 11013449 (cited by Labcorp Genetics (formerly Invitae), Labcorp); PubMed 20301668 (cited by Labcorp Genetics (formerly Invitae), Labcorp).